The following is an entry in ClinVar:

ClinVar aggregate classification (germline): Uncertain significance. Review status: criteria provided, multiple submitters, no conflicts (2 of 4 stars). 2 submissions from 2 submitters: Uncertain significance (2). Last evaluated 2024-03-06.

Conditions:
Cardiomyopathy (CMYO). Also called: Cardiomyopathies. Identifiers: Orphanet 167848, MedGen C0878544, MONDO:0004994, HP:0001638. Inheritance: Various modes of inheritance.
Arrhythmogenic right ventricular cardiomyopathy (ARVD). Also called: Arrhythmogenic right ventricular dysplasia; Cardiomyopathy, ARVC; Arrhythmogenic cardiomyopathy; Arrhythmogenic Right Ventricular Cardiomyopathy (ARVC). Identifiers: Orphanet 247, MedGen C0349788, MeSH D019571, MONDO:0016587. Disease mechanism: loss of function. Inheritance: Various modes of inheritance.

Submissions (2):

Color Diagnostics, LLC DBA Color Health
Classification: Uncertain significance for Cardiomyopathy. Last evaluated: 2024-03-06. Review status: criteria provided, single submitter. Criteria: ACMG Guidelines, 2015. Collection method: clinical testing. Allele origin: germline.
Comment: This missense variant replaces threonine with isoleucine at codon 791 of the PKP2 protein. Computational prediction suggests that this variant may not impact protein structure and function. To our knowledge, functional studies have not been reported for this variant. This variant has not been reported in individuals affected with PKP2-related disorders in the literature. This variant has not been identified in the general population by the Genome Aggregation Database (gnomAD). The available evidence is insufficient to determine the role of this variant in disease conclusively. Therefore, this variant is classified as a Variant of Uncertain Significance.

All of Us Research Program, National Institutes of Health
Classification: Uncertain significance for Arrhythmogenic right ventricular cardiomyopathy. Last evaluated: 2023-05-30. Review status: criteria provided, single submitter. Criteria: ACMG Guidelines, 2015. Collection method: clinical testing. Allele origin: germline. Inheritance: Autosomal dominant inheritance. Observed: 1 variant allele, 1 heterozygote.
Comment: This missense variant replaces threonine with isoleucine at codon 791 of the PKP2 protein. Computational prediction suggests that this variant may not impact protein structure and function (internally defined REVEL score threshold <= 0.5, PMID: 27666373). To our knowledge, functional studies have not been reported for this variant. This variant has not been reported in individuals affected with PKP2-related disorders in the literature. This variant has not been identified in the general population by the Genome Aggregation Database (gnomAD). The available evidence is insufficient to determine the role of this variant in disease conclusively. Therefore, this variant is classified as a Variant of Uncertain Significance.

This study involves interpretation of variants in research participants for the purpose of population health screening. Participant phenotype was not available at the time of variant classification. Additional details can be found in publication PMID: 35346344, PMCID: PMC8962531

NM_001005242.3(PKP2):c.2240C>T (p.Thr747Ile)

Gene: PKP2 (plakophilin 2; minus strand). Cytogenetic location: 12p11.21.
Variant type: single nucleotide variant.
Coding change: c.2240C>T on transcript NM_001005242.3 (MANE Select); coding-DNA position 2240, C replaced by T.
Protein change: p.Thr747Ile; replaces threonine 747 with isoleucine.
Molecular consequence: missense variant. On other transcripts: intron variant (2).
Genome position (GRCh38, 1-based): chr12:32,796,226, G>A on the plus strand (C>T on the coding strand, the complement: PKP2 is on the minus strand). VCF-style: chr12-32796226-G-A. GRCh37 (hg19) VCF-style: chr12-32949160-G-A.
Other names: c.2075C>T, p.Thr692Ile (NM_001407156.1); c.1913C>T, p.Thr638Ile (NM_001407158.1, NM_001407159.1); c.2372C>T, p.Thr791Ile (NM_004572.4); c.2168-3495C>T (NM_001407155.1); c.1841-3495C>T (NM_001407160.1); short protein forms T638I, T692I, T747I, T791I.
Identifiers: ClinVar variation 3071373 (VCV003071373.2), dbSNP rs2541190245, ClinGen allele CA384357827.
Genomic context (GRCh38, chr12:32,796,226, plus strand): 5'-CGTGCATTCTGGTAACTGTTTTGGATTATGTTGTTCAATGTGTAACAGGCAGAGGCTGTA[G>A]TTTCAATGAGAAGGTCAGTACTCGGGACTGTGTCAGGAATGATGGAAACCAAATCAGGGA-3'
Protein context (NP_001005242.2, residues 737-757): TVPSTDLLIE[Thr747Ile]TASACYTLNN